The following is an entry in ClinVar:

NM_001365951.3(KIF1B):c.3520G>A (p.Val1174Met)

Gene: KIF1B (kinesin family member 1B; plus strand). Cytogenetic location: 1p36.22.
Variant type: single nucleotide variant.
Coding change: c.3520G>A on transcript NM_001365951.3 (MANE Select); coding-DNA position 3520, G replaced by A.
Protein change: p.Val1174Met; replaces valine 1174 with methionine.
Molecular consequence: missense variant.
Genome position (GRCh38, 1-based): chr1:10,342,056, G>A. VCF-style: chr1-10342056-G-A. GRCh37 (hg19) VCF-style: chr1-10402114-G-A.
Other names: c.3520G>A, p.Val1174Met (NM_001365952.1); c.3382G>A, p.Val1128Met (NM_015074.3); short protein forms V1128M, V1174M.
Identifiers: ClinVar variation 3534010 (VCV003534010.1).

ClinVar aggregate classification (germline): Uncertain significance (1 of 4 stars; one submission).

gnomAD v4.1: 2 of 1,596,426 alleles (0.00013%); highest among the groups gnomAD compares: Admixed American, 0.0033%; no homozygotes.

Submission:

Ambry Genetics
Classification: Uncertain significance. Last evaluated: 2024-09-08. Review status: criteria provided, single submitter. Criteria: Ambry Variant Classification Scheme 2023. Collection method: clinical testing. Allele origin: germline.
Comment: The p.V1128M variant (also known as c.3382G>A), located in coding exon 30 of the KIF1B gene, results from a G to A substitution at nucleotide position 3382. The valine at codon 1128 is replaced by methionine, an amino acid with highly similar properties. This amino acid position is conserved. In addition, this alteration is predicted to be deleterious by in silico analysis. Based on the available evidence, the clinical significance of this variant remains unclear.